The following is an entry in ClinVar:

ClinVar aggregate classification (germline): Pathogenic. Review status: criteria provided, multiple submitters, no conflicts (2 of 4 stars). 6 submissions from 6 submitters: Pathogenic (6). Last evaluated 2024-09-22.

Conditions:
Severe combined immunodeficiency due to IKK2 deficiency. Also called: IMMUNODEFICIENCY 15B; Immunodeficiency 15. Identifiers: Orphanet 397787, MedGen C4747743, MONDO:0014267, OMIM 615592.
IKBKB-related disorders.

Allele frequency attached by ClinVar (database versions not stated): gnomAD exomes below 0.00001.
gnomAD v4.1: 6 of 1,614,136 alleles (0.00037%); highest among the groups gnomAD compares: Middle Eastern, 0.017%; no homozygotes.

Submissions (6):

Genomic Medicine Center of Excellence, King Faisal Specialist Hospital and Research Centre
Classification: Pathogenic for Severe combined immunodeficiency due to IKK2 deficiency. Last evaluated: 2024-09-22. Review status: criteria provided, single submitter. Criteria: ACMG Guidelines, 2015. Collection method: clinical testing. Allele origin: germline.

Labcorp Genetics (formerly Invitae), Labcorp
Classification: Pathogenic for Severe combined immunodeficiency due to IKK2 deficiency. Last evaluated: 2022-08-22. Review status: criteria provided, single submitter. Criteria: Invitae Variant Classification Sherloc (09022015). Collection method: clinical testing. Allele origin: germline.
Comment: This variant is not present in population databases (gnomAD no frequency). For these reasons, this variant has been classified as Pathogenic. ClinVar contains an entry for this variant (Variation ID: 957808). This premature translational stop signal has been observed in individual(s) with combined immunodeficiency (PMID: 25139357). This sequence change creates a premature translational stop signal (p.Arg286*) in the IKBKB gene. It is expected to result in an absent or disrupted protein product. Loss-of-function variants in IKBKB are known to be pathogenic (PMID: 24369075, 24679846).

GeneDx
Classification: Pathogenic. Last evaluated: 2022-06-15. Review status: criteria provided, single submitter. Criteria: GeneDx Variant Classification Process June 2021. Collection method: clinical testing. Allele origin: germline. Affected: yes.
Comment: Nonsense variant predicted to result in protein truncation or nonsense mediated decay in a gene for which loss-of-function is a known mechanism of disease; Not observed in large population cohorts (gnomAD); This variant is associated with the following publications: (PMID: 25139357, 32117824)

Women's Health and Genetics/Laboratory Corporation of America, LabCorp
Classification: Pathogenic for Severe combined immunodeficiency due to IKK2 deficiency. Last evaluated: 2022-03-19. Review status: criteria provided, single submitter. Criteria: LabCorp Variant Classification Summary - May 2015. Collection method: clinical testing. Allele origin: germline.
Comment: Variant summary: IKBKB c.856C>T (p.Arg286X) results in a premature termination codon, predicted to cause a truncation of the encoded protein or absence of the protein due to nonsense mediated decay, which are commonly known mechanisms for disease. The variant was absent in 251364 control chromosomes. c.856C>T has been reported in the literature in multiple homozygous individuals affected with Immunodeficiency 15 (example, Mousallem_2014, Alsum_2020). These data indicate that the variant is very likely to be associated with disease. At least one publication reports experimental evidence evaluating an impact on protein function (Mousallem_2014). The most pronounced variant effect results in impaired I kappa B alpha phosphorylation and NF kappa B nuclear translocation in immortalized patient B cells. Three clinical diagnostic laboratories have submitted clinical-significance assessments for this variant to ClinVar after 2014 without evidence for independent evaluation. All laboratories classified the variant as pathogenic. Based on the evidence outlined above, the variant was classified as pathogenic.

Blueprint Genetics
Classification: Pathogenic for IKBKB-related disorders. Last evaluated: 2020-01-08. Review status: criteria provided, single submitter. Criteria: ACMG Guidelines, 2015. Collection method: clinical testing. Allele origin: germline. Affected: yes. Observed: 2 variant alleles.

Baylor Genetics
Classification: Pathogenic for Severe combined immunodeficiency due to IKK2 deficiency. Last evaluated: 2019-12-13. Review status: criteria provided, single submitter. Criteria: ACMG Guidelines, 2015. Collection method: clinical testing. Allele origin: unknown. Affected: yes.
Comment: This variant was determined to be pathogenic according to ACMG Guidelines, 2015 [PMID:25741868].

Literature cited by the submitters: PubMed 25139357 (cited by Labcorp Genetics (formerly Invitae), Labcorp and Women's Health and Genetics/Laboratory Corporation of America, LabCorp); PubMed 24369075 (cited by Labcorp Genetics (formerly Invitae), Labcorp); PubMed 24679846 (cited by Labcorp Genetics (formerly Invitae), Labcorp); PubMed 32117824 (cited by Women's Health and Genetics/Laboratory Corporation of America, LabCorp).

NM_001556.3(IKBKB):c.856C>T (p.Arg286Ter)

Gene: IKBKB (inhibitor of nuclear factor kappa B kinase subunit beta; plus strand). Cytogenetic location: 8p11.21.
Variant type: single nucleotide variant.
Coding change: c.856C>T on transcript NM_001556.3 (MANE Select); coding-DNA position 856, C replaced by T.
Protein change: p.Arg286Ter; replaces arginine 286 with a stop codon.
Molecular consequence: nonsense. On other transcripts: non-coding transcript variant (3).
Genome position (GRCh38, 1-based): chr8:42,316,265, C>T. VCF-style: chr8-42316265-C-T. GRCh37 (hg19) VCF-style: chr8-42173783-C-T.
Other names: c.664C>T, p.Arg222Ter (NM_001190720.3); c.679C>T, p.Arg227Ter (NM_001242778.2); short protein forms R227*, R222*, R286*.
Identifiers: ClinVar variation 957808 (VCV000957808.15), dbSNP rs1818665697, ClinGen allele CA371084208.
Genomic context (GRCh38, chr8:42,316,265, plus strand): 5'-CACAGTGTCCTGGCTGAGCGACTGGAGAAGTGGCTGCAACTGATGCTGATGTGGCACCCC[C>T]GACAGAGGGGCACGGATCCCACGTATGGGCCCAATGGCTGCTTCAAGGCCCTGGATGACA-3'